The following is an entry in ClinVar:

NM_004523.4(KIF11):c.*4_*5dup

Gene: KIF11 (kinesin family member 11; plus strand). Cytogenetic location: 10q23.33.
Variant type: Duplication.
Coding change: c.*4_*5dup on transcript NM_004523.4 (MANE Select); 4 bases downstream of the stop codon through 5 bases downstream of the stop codon, 2 bases duplicated (AC; older notation c.*4_*5dupAC).
Molecular consequence: 3 prime UTR variant.
Genome position (GRCh38, 1-based): chr10:92,653,800-92,653,801, AC duplicated; duplicating any 2 consecutive bases within chr10:92,653,799-92,653,801 gives the same sequence; the c. name uses the placement nearest the transcript's 3' end. VCF-style (leftmost placement, unchanged base first): chr10-92653798-T-TCA. GRCh37 (hg19) VCF-style: chr10-94413555-T-TCA.
Identifiers: ClinVar variation 4984011 (VCV004984011.1).

ClinVar aggregate classification (germline): Likely benign (1 of 4 stars; one submission).

Conditions:
KIF11-related disorder. Also called: KIF11-related condition.

Submission:

PreventionGenetics, part of Exact Sciences
Classification: Likely benign for KIF11-related condition. Last evaluated: 2026-08-31. Review status: criteria provided, single submitter. Criteria: ACMG Guidelines, 2015. Collection method: clinical testing. Allele origin: germline.
Comment: This variant is classified as likely benign based on ACMG/AMP sequence variant interpretation guidelines (Richards et al. 2015 PMID: 25741868, with internal and published modifications).